The following is an entry in ClinVar:

NM_014009.4(FOXP3):c.907G>C (p.Asp303His)

Gene: FOXP3 (forkhead box P3; minus strand). Cytogenetic location: Xp11.23.
Variant type: single nucleotide variant.
Coding change: c.907G>C on transcript NM_014009.4 (MANE Select); coding-DNA position 907, G replaced by C.
Protein change: p.Asp303His; replaces aspartic acid 303 with histidine.
Molecular consequence: missense variant.
Genome position (GRCh38, 1-based): chrX:49,253,977, C>G on the plus strand (G>C on the coding strand, the complement: FOXP3 is on the minus strand). VCF-style: chrX-49253977-C-G. GRCh37 (hg19) VCF-style: chrX-49110438-C-G.
Other names: c.802G>C, p.Asp268His (NM_001114377.2); short protein forms D303H, D268H.
Identifiers: ClinVar variation 4809301 (VCV004809301.1).

ClinVar aggregate classification (germline): Uncertain significance (1 of 4 stars; one submission).

Conditions:
Insulin-dependent diabetes mellitus secretory diarrhea syndrome (IPEX). Also called: Immunodeficiency, Polyendocrinopathy, and Enteropathy X-Linked Syndrome; X-Linked Syndrome of Polyendocrinopathy, Immune Dysfunction, and Diarrhea; Immune dysregulation-polyendocrinopathy-enteropathy-X-linked syndrome; IPEX and IPEX-Like; X-Linked Autoimmunity-Allergic Dysregulation Syndrome; DIABETES MELLITUS, CONGENITAL INSULIN-DEPENDENT, WITH FATAL SECRETORY DIARRHEA. Identifiers: Orphanet 37042, MedGen C0342288, MONDO:0010580, OMIM 304790. Disease mechanism: loss of function.

Submission:

Labcorp Genetics (formerly Invitae), Labcorp
Classification: Uncertain significance for Insulin-dependent diabetes mellitus secretory diarrhea syndrome. Last evaluated: 2025-12-12. Review status: criteria provided, single submitter. Criteria: Invitae Variant Classification Sherloc (09022015). Collection method: clinical testing. Allele origin: germline.
Comment: This sequence change replaces aspartic acid, which is acidic and polar, with histidine, which is basic and polar, at codon 303 of the FOXP3 protein (p.Asp303His). This variant is not present in population databases (gnomAD no frequency). This variant has not been reported in the literature in individuals affected with FOXP3-related conditions. Invitae Evidence Modeling of protein sequence and biophysical properties (such as structural, functional, and spatial information, amino acid conservation, physicochemical variation, residue mobility, and thermodynamic stability) indicates that this missense variant is not expected to disrupt FOXP3 protein function with a negative predictive value of 80%. In summary, the available evidence is currently insufficient to determine the role of this variant in disease. Therefore, it has been classified as a Variant of Uncertain Significance.